The following is an entry in ClinVar:

ClinVar aggregate classification (germline): Pathogenic. Review status: criteria provided, multiple submitters, no conflicts (2 of 4 stars). 4 submissions from 4 submitters: Pathogenic (4). Last evaluated 2024-04-10.

Conditions:
Retinal dystrophy. Also called: Inherited retinal dystrophy. Identifiers: Orphanet 71862, MedGen C0854723, MeSH D058499, MONDO:0019118, HP:0000556.
Retinal disorder. Also called: Retinopathies; Retinal Diseases; Retinal disorders; Retinopathy. Identifiers: MedGen C0035309, MONDO:0005283, HP:0000488.

Allele frequency attached by ClinVar (database versions not stated): gnomAD exomes 0.00001; TOPMed 0.00001.
gnomAD v4.1: 9 of 1,614,176 alleles (0.00056%); highest among the groups gnomAD compares: Non-Finnish European, 0.00076%; no homozygotes.

Submissions (4):

North West Genomic Laboratory Hub, Manchester University NHS Foundation Trust
Classification: Pathogenic for Retinal disorders. Last evaluated: 2024-04-10. Review status: criteria provided, single submitter. Criteria: ACGS Best Practice Guidelines for Variant Classification in Rare Disease 2020. Collection method: clinical testing. Allele origin: germline. Affected: yes.
Comment: PM3_Mod PM2_Mod PVS1_VStr

Labcorp Genetics (formerly Invitae), Labcorp
Classification: Pathogenic. Last evaluated: 2022-08-24. Review status: criteria provided, single submitter. Criteria: Invitae Variant Classification Sherloc (09022015). Collection method: clinical testing. Allele origin: germline.
Comment: This variant is not present in population databases (gnomAD no frequency). This premature translational stop signal has been observed in individual(s) with ABCA4-related conditions (PMID: 23982839, 28118664, 28559085). ClinVar contains an entry for this variant (Variation ID: 242388). For these reasons, this variant has been classified as Pathogenic. This sequence change creates a premature translational stop signal (p.Arg1097*) in the ABCA4 gene. It is expected to result in an absent or disrupted protein product. Loss-of-function variants in ABCA4 are known to be pathogenic (PMID: 10958761, 24938718, 25312043, 26780318).

CeGaT Center for Human Genetics Tuebingen
Classification: Pathogenic. Last evaluated: 2017-07-01. Review status: criteria provided, single submitter. Criteria: CeGaT Center For Human Genetics Tuebingen Variant Classification Criteria Version 2. Collection method: clinical testing. Allele origin: germline. Affected: yes. Observed: 1 variant allele.

Institute of Human Genetics, Univ. Regensburg, Univ. Regensburg
Classification: Pathogenic for Retinal dystrophy. Last evaluated: 2010-01-01. Review status: criteria provided, single submitter. Criteria: ACMG Guidelines, 2015. Collection method: clinical testing. Allele origin: germline. Affected: yes.

Literature cited by the submitters: PubMed 23982839 (cited by Labcorp Genetics (formerly Invitae), Labcorp and Institute of Human Genetics, Univ. Regensburg, Univ. Regensburg); PubMed 28118664 (cited by Labcorp Genetics (formerly Invitae), Labcorp and Institute of Human Genetics, Univ. Regensburg, Univ. Regensburg); PubMed 28559085 (cited by Labcorp Genetics (formerly Invitae), Labcorp and Institute of Human Genetics, Univ. Regensburg, Univ. Regensburg); PubMed 10958761 (cited by Labcorp Genetics (formerly Invitae), Labcorp); PubMed 24938718 (cited by Labcorp Genetics (formerly Invitae), Labcorp); PubMed 25312043 (cited by Labcorp Genetics (formerly Invitae), Labcorp); PubMed 26780318 (cited by Labcorp Genetics (formerly Invitae), Labcorp); PubMed 32531858 (cited by Institute of Human Genetics, Univ. Regensburg, Univ. Regensburg); PubMed 35260635 (cited by Institute of Human Genetics, Univ. Regensburg, Univ. Regensburg); PubMed 36460718 (cited by Institute of Human Genetics, Univ. Regensburg, Univ. Regensburg).

NM_000350.3(ABCA4):c.3289A>T (p.Arg1097Ter)

Gene: ABCA4 (ATP binding cassette subfamily A member 4; minus strand). Cytogenetic location: 1p22.1.
Variant type: single nucleotide variant.
Coding change: c.3289A>T on transcript NM_000350.3 (MANE Select); coding-DNA position 3289, A replaced by T.
Protein change: p.Arg1097Ter; replaces arginine 1097 with a stop codon.
Molecular consequence: nonsense.
Genome position (GRCh38, 1-based): chr1:94,042,800, T>A on the plus strand (A>T on the coding strand, the complement: ABCA4 is on the minus strand). VCF-style: chr1-94042800-T-A. GRCh37 (hg19) VCF-style: chr1-94508356-T-A.
Other names: c.3067A>T, p.Arg1023Ter (NM_001425324.1); short protein forms R1097*, R1023*.
Identifiers: ClinVar variation 242388 (VCV000242388.47), dbSNP rs886044731, ClinGen allele CA10602438.